The following is an entry in ClinVar:

NM_000444.6(PHEX):c.2101G>C (p.Ala701Pro)

Genes: PTCHD1-AS (PTCHD1 and PHEX antisense RNA; minus strand), PHEX (phosphate regulating endopeptidase X-linked; plus strand). Cytogenetic location: Xp22.11.
Variant type: single nucleotide variant.
Coding change: c.2101G>C on transcript NM_000444.6 (MANE Select); coding-DNA position 2101, G replaced by C.
Protein change: p.Ala701Pro; replaces alanine 701 with proline.
Molecular consequence: missense variant. On other transcripts: intron variant (1).
Genome position (GRCh38, 1-based): chrX:22,245,363, G>C. VCF-style: chrX-22245363-G-C. GRCh37 (hg19) VCF-style: chrX-22263480-G-C.
Other names: c.2071-2488G>C (NM_001282754.2); short protein forms A701P.
Identifiers: ClinVar variation 4885564 (VCV004885564.2).

ClinVar aggregate classification (germline): Uncertain significance (1 of 4 stars; one submission).

Submission:

Dasa
Classification: Uncertain significance. Last evaluated: 2025-09-22. Review status: criteria provided, single submitter. Criteria: DASA Assertion Criteria. Collection method: clinical testing. Allele origin: germline.
Comment: NM_000444.6(PHEX):c.2101G>C (p.Ala701Pro) is a missense variant that results in the substitution of alanine with proline. This variant is absent from population databases. Computational prediction algorithms are consistent with a deleterious effect. The currently available literature and clinical evidence are not sufficient to establish a definitive association between this variant and the reported condition. Therefore, this variant is classified as a variant of uncertain significance.